The following is an entry in ClinVar:

ClinVar aggregate classification (germline): Uncertain significance (1 of 4 stars; one submission).

Submission:

Labcorp Genetics (formerly Invitae), Labcorp
Classification: Uncertain significance. Last evaluated: 2024-08-12. Review status: criteria provided, single submitter. Criteria: Invitae Variant Classification Sherloc (09022015). Collection method: clinical testing. Allele origin: germline.
Comment: This sequence change replaces glutamine, which is neutral and polar, with arginine, which is basic and polar, at codon 736 of the KMT2B protein (p.Gln736Arg). This variant is not present in population databases (gnomAD no frequency). This variant has not been reported in the literature in individuals affected with KMT2B-related conditions. Advanced modeling of protein sequence and biophysical properties (such as structural, functional, and spatial information, amino acid conservation, physicochemical variation, residue mobility, and thermodynamic stability) performed at Invitae indicates that this missense variant is not expected to disrupt KMT2B protein function with a negative predictive value of 95%. In summary, the available evidence is currently insufficient to determine the role of this variant in disease. Therefore, it has been classified as a Variant of Uncertain Significance.

NM_014727.3(KMT2B):c.2207A>G (p.Gln736Arg)

Gene: KMT2B (lysine methyltransferase 2B; plus strand). Cytogenetic location: 19q13.12.
Variant type: single nucleotide variant.
Coding change: c.2207A>G on transcript NM_014727.3 (MANE Select); coding-DNA position 2207, A replaced by G.
Protein change: p.Gln736Arg; replaces glutamine 736 with arginine.
Molecular consequence: missense variant.
Genome position (GRCh38, 1-based): chr19:35,721,554, A>G. VCF-style: chr19-35721554-A-G. GRCh37 (hg19) VCF-style: chr19-36212456-A-G.
Other names: short protein forms Q736R.
Identifiers: ClinVar variation 3693930 (VCV003693930.2).